The following is an entry in ClinVar:

NM_001330691.3(CEP78):c.910G>A (p.Ala304Thr)

Gene: CEP78 (centrosomal protein 78; plus strand). Cytogenetic location: 9q21.2.
Variant type: single nucleotide variant.
Coding change: c.910G>A on transcript NM_001330691.3 (MANE Select); coding-DNA position 910, G replaced by A.
Protein change: p.Ala304Thr; replaces alanine 304 with threonine.
Molecular consequence: missense variant.
Genome position (GRCh38, 1-based): chr9:78,248,308, G>A. VCF-style: chr9-78248308-G-A. GRCh37 (hg19) VCF-style: chr9-80863224-G-A.
Other names: c.910G>A, p.Ala304Thr (NM_001098802.3, NM_001330693.3, NM_001330694.2 and 4 more transcripts); c.910G>A (NM_001098802.1); short protein forms A304T.
Identifiers: ClinVar variation 1363852 (VCV001363852.8), dbSNP rs947524686, ClinGen allele CA194402210.
Genomic context (GRCh38, chr9:78,248,308, plus strand): 5'-TTGGGAAATAATTACTATAATTTCAATTTTTATTTTACTTTAGATCATTCTATGATGAAA[G>A]CAGTTATCAAAAAAGTCCTCCAGAATGGAAGGAGTGCCAAATCAGAGGTATATCATGTTT-3'
Protein context (NP_001317620.1, residues 294-314): NPLIDHSMMK[Ala304Thr]VIKKVLQNGR

ClinVar aggregate classification (germline): Uncertain significance. Review status: criteria provided, multiple submitters, no conflicts (2 of 4 stars). 3 submissions from 3 submitters: Uncertain significance (3). Last evaluated 2026-03-05.

Conditions:
CEP78-related disorder. Also called: CEP78-related condition.
Inborn genetic diseases. Identifiers: MedGen C0950123, MeSH D030342.

Allele frequency attached by ClinVar (database versions not stated): gnomAD exomes 0.00001; TOPMed 0.00002.
gnomAD v4.1: 8 of 1,562,150 alleles (0.00051%); highest among the groups gnomAD compares: Admixed American, 0.0033%; no homozygotes.

Submissions (3):

PreventionGenetics, part of Exact Sciences
Classification: Uncertain significance for CEP78-related condition. Last evaluated: 2026-03-05. Review status: criteria provided, single submitter. Criteria: ACMG Guidelines, 2015. Collection method: clinical testing. Allele origin: germline.
Comment: The CEP78 c.910G>A variant is predicted to result in the amino acid substitution p.Ala304Thr. To our knowledge, this variant has not been reported in the literature. This variant is reported in 0.0029% of alleles in individuals of Latino descent in gnomAD. At this time, the clinical significance of this variant is uncertain due to the absence of conclusive functional and genetic evidence.

Ambry Genetics
Classification: Uncertain significance for Inborn genetic diseases. Last evaluated: 2022-12-27. Review status: criteria provided, single submitter. Criteria: Ambry Variant Classification Scheme 2023. Collection method: clinical testing. Allele origin: germline.

Labcorp Genetics (formerly Invitae), Labcorp
Classification: Uncertain significance. Last evaluated: 2022-08-03. Review status: criteria provided, single submitter. Criteria: Invitae Variant Classification Sherloc (09022015). Collection method: clinical testing. Allele origin: germline.
Comment: The frequency data for this variant in the population databases is considered unreliable, as metrics indicate poor data quality at this position in the gnomAD database. Algorithms developed to predict the effect of missense changes on protein structure and function (SIFT, PolyPhen-2, Align-GVGD) all suggest that this variant is likely to be tolerated. ClinVar contains an entry for this variant (Variation ID: 1363852). This variant has not been reported in the literature in individuals affected with CEP78-related conditions. This sequence change replaces alanine, which is neutral and non-polar, with threonine, which is neutral and polar, at codon 304 of the CEP78 protein (p.Ala304Thr). In summary, the available evidence is currently insufficient to determine the role of this variant in disease. Therefore, it has been classified as a Variant of Uncertain Significance.